The following is an entry in ClinVar:

NM_001458.5(FLNC):c.6790G>T (p.Ala2264Ser)

Genes: FLNC (filamin C; plus strand), FLNC-AS1 (FLNC antisense RNA 1; minus strand). Cytogenetic location: 7q32.1.
Variant type: single nucleotide variant.
Coding change: c.6790G>T on transcript NM_001458.5 (MANE Select); coding-DNA position 6790, G replaced by T.
Protein change: p.Ala2264Ser; replaces alanine 2264 with serine.
Molecular consequence: missense variant.
Genome position (GRCh38, 1-based): chr7:128,854,475, G>T. VCF-style: chr7-128854475-G-T. GRCh37 (hg19) VCF-style: chr7-128494529-G-T.
Other names: c.6691G>T, p.Ala2231Ser (NM_001127487.2); short protein forms A2231S, A2264S.
Identifiers: ClinVar variation 1309039 (VCV001309039.2), dbSNP rs551954485, ClinGen allele CA369213697.
Genomic context (GRCh38, chr7:128,854,475, plus strand): 5'-GAGGCCAGCTCTCAGGACATGACTGCACAGGTGACCAGCCCATCGGGCAAGGTGGAAGCC[G>T]CAGAGATCGTCGAGGGCGAGGACAGCGCCTACAGCGTGCGCTTTGTGCCCCAGGAAATGG-3'
Protein context (NP_001449.3, residues 2254-2274): VTSPSGKVEA[Ala2264Ser]EIVEGEDSAY

ClinVar aggregate classification (germline): Uncertain significance (1 of 4 stars; one submission).

gnomAD v4.1: 1 of 1,608,328 alleles (0.000062%); highest among the groups gnomAD compares: Non-Finnish European, 0.000085%; no homozygotes.

Submission:

GeneDx
Classification: Uncertain significance. Last evaluated: 2019-10-10. Review status: criteria provided, single submitter. Criteria: GeneDx Variant Classification Process June 2021. Collection method: clinical testing. Allele origin: germline. Affected: yes.
Comment: Has not been previously published as pathogenic or benign to our knowledge; Not observed in large population cohorts (Lek et al., 2016); In silico analysis, which includes protein predictors and evolutionary conservation, supports that this variant does not alter protein structure/function